The following is an entry in ClinVar:

NM_005618.4(DLL1):c.1352C>T (p.Pro451Leu)

Gene: DLL1 (delta like canonical Notch ligand 1; minus strand). Cytogenetic location: 6q27.
Variant type: single nucleotide variant.
Coding change: c.1352C>T on transcript NM_005618.4 (MANE Select); coding-DNA position 1352, C replaced by T.
Protein change: p.Pro451Leu; replaces proline 451 with leucine.
Molecular consequence: missense variant.
Genome position (GRCh38, 1-based): chr6:170,283,927, G>A on the plus strand (C>T on the coding strand, the complement: DLL1 is on the minus strand). VCF-style: chr6-170283927-G-A. GRCh37 (hg19) VCF-style: chr6-170593015-G-A.
Other names: short protein forms P451L.
Identifiers: ClinVar variation 757389 (VCV000757389.32), dbSNP rs140518054, ClinGen allele CA4106850.

ClinVar aggregate classification (germline): Benign. Review status: criteria provided, multiple submitters, no conflicts (2 of 4 stars). 3 submissions from 3 submitters: Benign (3). Last evaluated 2026-03-01.

Conditions:
Neurodevelopmental disorder with nonspecific brain abnormalities and with or without seizures. Identifiers: MedGen C5231470, MONDO:0032877, OMIM 618709.

Allele frequency attached by ClinVar (database versions not stated): 1000 Genomes Project 30x 0.00016; 1000 Genomes Project 0.00020; ESP Exome Variant Server 0.00023; TOPMed 0.00036; gnomAD 0.00038 and 0.00039; gnomAD exomes 0.00059; ExAC 0.00067.

Submissions (3):

CeGaT Center for Human Genetics Tuebingen
Classification: Benign. Last evaluated: 2026-03-01. Review status: criteria provided, single submitter. Criteria: CeGaT Center For Human Genetics Tuebingen Variant Classification Criteria Version 2. Collection method: clinical testing. Allele origin: germline. Affected: yes. Observed: 2 variant alleles.
Comment: DLL1: BS1, BS2

Labcorp Genetics (formerly Invitae), Labcorp
Classification: Benign. Last evaluated: 2025-11-25. Review status: criteria provided, single submitter. Criteria: Invitae Variant Classification Sherloc (09022015). Collection method: clinical testing. Allele origin: germline.

Department of Pathology and Laboratory Medicine, Sinai Health System
Classification: Benign for neurodevelopmental disorder with nonspecific brain abnormalities and with or without seizures. Last evaluated: 2020-08-24. Review status: criteria provided, single submitter. Criteria: ACMG Guidelines, 2015. Collection method: research. Allele origin: germline.